The following is an entry in ClinVar:

ClinVar aggregate classification (germline): Uncertain significance. Review status: criteria provided, single submitter (1 of 4 stars). 3 submissions from 3 submitters: Uncertain significance (1). 2 of the submissions do not count toward it. Last evaluated 2023-02-16.

Conditions:
BETA-PLUS-THALASSEMIA. Identifiers: MedGen C3841475.
beta Thalassemia (BTHAL). Also called: Cooley's anemia; Erythroblastic anemia; Mediterranean anemia. Identifiers: Orphanet 848, MedGen C0005283, MONDO:0019402. Disease mechanism: loss of function.

Allele frequency attached by ClinVar (database versions not stated): 1000 Genomes Project 30x 0.00016; 1000 Genomes Project 0.00020.

Submissions (3):

Women's Health and Genetics/Laboratory Corporation of America, LabCorp
Classification: Uncertain significance. Last evaluated: 2023-02-16. Review status: criteria provided, single submitter. Criteria: LabCorp Variant Classification Summary - May 2015. Collection method: clinical testing. Allele origin: germline.
Comment: Variant summary: HBB c.-82C>A affects a non-conserved nucleotide that is located in the untranscribed region, one nucleotide upstream to the conserved ATAAA sequence (i.e. the TATA box) therefore, it could affect gene expression. A saturation mutagenesis study reported that this variant had no significant effect on gene expression (Kircher_2019). The variant was absent in 31390 control chromosomes (gnomAD). c.-82C>A has been reported in the literature in at-least one individual with features of Beta Thalassemia (example: Lin_1992). These data indicate that the variant may be associated with disease. One submitter provided clinical-significance assessments for this variant to ClinVar after 2014 and classified the variant as pathogenic. Based on the evidence outlined above, the variant was classified as uncertain significance.

The ITHANET community portal, The Cyprus Institute of Neurology and Genetics
Classification: Pathogenic for beta Thalassemia. Last evaluated: 2019-11-25. Review status: no assertion criteria provided. Collection method: curation. Allele origin: germline. Not counted in ClinVar's aggregate classification.

OMIM
Classification: Pathogenic for BETA-PLUS-THALASSEMIA. Last evaluated: 1992-01-01. Review status: no assertion criteria provided. Collection method: literature only. Allele origin: germline. Not counted in ClinVar's aggregate classification.

Literature cited by the submitters: PubMed 1729892 (cited by 3 submitters); PubMed 31395865 (cited by Women's Health and Genetics/Laboratory Corporation of America, LabCorp).

NM_000518.5(HBB):c.-82C>A

Genes: HBB (hemoglobin subunit beta; minus strand), LOC106099062 (HBB recombination region; plus strand), LOC107133510 (origin of replication at HBB; plus strand). Cytogenetic location: 11p15.4.
Variant type: single nucleotide variant.
Coding change: c.-82C>A on transcript NM_000518.5 (MANE Select); 82 bases upstream of the start codon, C replaced by A.
Genome position (GRCh38, 1-based): chr11:5,227,103, G>T on the plus strand (C>A on the coding strand, the complement: HBB is on the minus strand). VCF-style: chr11-5227103-G-T. GRCh37 (hg19) VCF-style: chr11-5248333-G-T.
Other names: -32 (C>A); Cap site M+1; -32C-A, PROMOTER.
Identifiers: ClinVar variation 15492 (VCV000015492.4), dbSNP rs34500389, ClinGen allele CA125354.